The following is an entry in ClinVar:

NM_000093.5(COL5A1):c.2187+10C>G

Gene: COL5A1 (collagen type V alpha 1 chain; plus strand). Cytogenetic location: 9q34.3.
Variant type: single nucleotide variant.
Coding change: c.2187+10C>G on transcript NM_000093.5 (MANE Select); 10 bases into the intron after coding-DNA position 2187, C replaced by G.
Molecular consequence: intron variant.
Genome position (GRCh38, 1-based): chr9:134,767,063, C>G. VCF-style: chr9-134767063-C-G. GRCh37 (hg19) VCF-style: chr9-137658909-C-G.
Other names: c.2187+10C>G (NM_001278074.1).
Identifiers: ClinVar variation 3054217 (VCV003054217.2), dbSNP rs1057521575, ClinGen allele CA2740092941.
Genomic context (GRCh38, chr9:134,767,063, plus strand): 5'-CCCCAGGGAGAGCCTGGCCCCCCAGGACAGCAGGGTAATCCAGGCGCCCAGGTAAGTGAG[C>G]CTGAGAGAGGCAGCTCGCAGGGATCCGGCCGTGGGAGGCACACGTCTCCAGTCCGGAGCC-3'

ClinVar aggregate classification (germline): Likely benign (0 of 4 stars; one submission).

Conditions:
COL5A1-related disorder. Also called: COL5A1-related condition.

Submission:

PreventionGenetics, part of Exact Sciences
Classification: Likely benign for COL5A1-related condition. Last evaluated: 2023-03-31. Review status: no assertion criteria provided. Collection method: clinical testing. Allele origin: germline.
Comment: This variant is classified as likely benign based on ACMG/AMP sequence variant interpretation guidelines (Richards et al. 2015 PMID: 25741868, with internal and published modifications).